The following is an entry in ClinVar:

ClinVar aggregate classification (germline): Uncertain significance (1 of 4 stars; one submission).

Submission:

Ambry Genetics
Classification: Uncertain significance. Last evaluated: 2025-06-10. Review status: criteria provided, single submitter. Criteria: Ambry Variant Classification Scheme 2023. Collection method: clinical testing. Allele origin: germline.
Comment: The p.E443D variant (also known as c.1329G>C), located in coding exon 6 of the WNK2 gene, results from a G to C substitution at nucleotide position 1329. The glutamic acid at codon 443 is replaced by aspartic acid, an amino acid with highly similar properties. This amino acid position is conserved. In addition, this alteration is predicted to be tolerated by in silico analysis. Based on the available evidence, the clinical significance of this variant remains unclear.

NM_006648.4(WNK2):c.1329G>C (p.Glu443Asp)

Gene: WNK2 (WNK lysine deficient protein kinase 2; plus strand). Cytogenetic location: 9q22.31.
Variant type: single nucleotide variant.
Coding change: c.1329G>C on transcript NM_006648.4 (MANE Select); coding-DNA position 1329, G replaced by C.
Protein change: p.Glu443Asp; replaces glutamic acid 443 with aspartic acid.
Molecular consequence: missense variant.
Genome position (GRCh38, 1-based): chr9:93,239,763, G>C. VCF-style: chr9-93239763-G-C. GRCh37 (hg19) VCF-style: chr9-96002045-G-C.
Other names: c.1329G>C, p.Glu443Asp (NM_001282394.3); short protein forms E443D.
Identifiers: ClinVar variation 3982202 (VCV003982202.1).